The following is an entry in ClinVar:

ClinVar aggregate classification (germline): Uncertain significance. Review status: criteria provided, multiple submitters, no conflicts (2 of 4 stars). 2 submissions from 2 submitters: Uncertain significance (2). Last evaluated 2026-07-30.

Conditions:
Nephrolithiasis/nephrocalcinosis. Identifiers: MedGen CN580796.
Autosomal dominant hypocalcemia 1 (HYPOC1). Also called: HYPOCALCEMIA, FAMILIAL. Identifiers: MedGen C3715128, MONDO:0011013, OMIM 601198.
Familial hypocalciuric hypercalcemia (FHH). Also called: Familial benign hypercalcemia. Identifiers: Orphanet 405, MedGen C1809471, MONDO:0018458.

gnomAD v4.1: 1 of 1,614,056 alleles (0.000062%); no homozygotes.

Submissions (2):

Ambry Genetics
Classification: Uncertain significance for Nephrolithiasis/nephrocalcinosis. Last evaluated: 2026-07-30. Review status: criteria provided, single submitter. Criteria: Ambry Variant Classification Scheme 2023. Collection method: clinical testing. Allele origin: germline.
Comment: The c.1732+6G>A intronic alteration consists of a G to A substitution nucleotides after coding exon 5 in the CASR gene. This variant was not reported in population-based cohorts in the Genome Aggregation Database (gnomAD). Based on insufficient or conflicting evidence, the clinical significance of this alteration remains unclear.

Labcorp Genetics (formerly Invitae), Labcorp
Classification: Uncertain significance for Familial hypocalciuric hypercalcemia; Autosomal dominant hypocalcemia 1. Last evaluated: 2023-04-19. Review status: criteria provided, single submitter. Criteria: Invitae Variant Classification Sherloc (09022015). Collection method: clinical testing. Allele origin: germline.
Comment: Variants that disrupt the consensus splice site are a relatively common cause of aberrant splicing (PMID: 17576681, 9536098). Algorithms developed to predict the effect of sequence changes on RNA splicing suggest that this variant is not likely to affect RNA splicing. This sequence change falls in intron 6 of the CASR gene. It does not directly change the encoded amino acid sequence of the CASR protein. It affects a nucleotide within the consensus splice site. This variant is not present in population databases (gnomAD no frequency). This variant has not been reported in the literature in individuals affected with CASR-related conditions. ClinVar contains an entry for this variant (Variation ID: 2132261). In summary, the available evidence is currently insufficient to determine the role of this variant in disease. Therefore, it has been classified as a Variant of Uncertain Significance.

Literature cited by the submitters: PubMed 17576681 (cited by Labcorp Genetics (formerly Invitae), Labcorp); PubMed 9536098 (cited by Labcorp Genetics (formerly Invitae), Labcorp).

NM_000388.4(CASR):c.1732+6G>A

Gene: CASR (calcium sensing receptor; plus strand). Cytogenetic location: 3q21.1.
Variant type: single nucleotide variant.
Coding change: c.1732+6G>A on transcript NM_000388.4 (MANE Select); 6 bases into the intron after coding-DNA position 1732, G replaced by A.
Molecular consequence: intron variant.
Genome position (GRCh38, 1-based): chr3:122,282,242, G>A. VCF-style: chr3-122282242-G-A. GRCh37 (hg19) VCF-style: chr3-122001089-G-A.
Other names: c.1762+6G>A (NM_001178065.2); c.1732+6G>A (NM_000388.3).
Identifiers: ClinVar variation 2132261 (VCV002132261.5), dbSNP rs2473273036, ClinGen allele CA2580068633.